The following is an entry in ClinVar:

NM_001365276.2(TNXB):c.9229A>C (p.Ser3077Arg)

Gene: TNXB (tenascin XB; minus strand). Cytogenetic location: 6p21.33.
Variant type: single nucleotide variant.
Coding change: c.9229A>C on transcript NM_001365276.2 (MANE Select); coding-DNA position 9229, A replaced by C.
Protein change: p.Ser3077Arg; replaces serine 3077 with arginine.
Molecular consequence: missense variant.
Genome position (GRCh38, 1-based): chr6:32,050,208, T>G on the plus strand (A>C on the coding strand, the complement: TNXB is on the minus strand). VCF-style: chr6-32050208-T-G. GRCh37 (hg19) VCF-style: chr6-32017985-T-G.
Other names: c.9223A>C, p.Ser3075Arg (NM_019105.8); short protein forms S3075R, S3077R.
Identifiers: ClinVar variation 2451183 (VCV002451183.4), dbSNP rs767180972, ClinGen allele CA3733590.
Genomic context (GRCh38, chr6:32,050,208, plus strand): 5'-CATTCCTGTACTGGACCAGGAAGTGGTCAAACTGGCCCTCGGGAACCATCCAGGACAGGC[T>G]GAGGGAGTCGGGGGTGGCATCTGTCACGGTCAGCTCCCCCAGGCGAGGCTTGATGGGGGG-3'
Protein context (NP_001352205.1, residues 3067-3087): TVTDATPDSL[Ser3077Arg]LSWMVPEGQF

ClinVar aggregate classification (germline): Uncertain significance. Review status: criteria provided, single submitter (1 of 4 stars). 2 submissions from 2 submitters: Uncertain significance (1). 1 of the submissions does not count toward it. Last evaluated 2023-02-16.

Conditions:
Cardiovascular phenotype. Identifiers: MedGen CN230736.
TNXB-related disorder. Also called: TNXB-related condition.

Allele frequency attached by ClinVar (database versions not stated): gnomAD exomes below 0.00001; ExAC 0.00001.
gnomAD v4.1: 2 of 1,613,762 alleles (0.00012%); highest among the groups gnomAD compares: Admixed American, 0.0033%; no homozygotes.

Submissions (2):

Ambry Genetics
Classification: Uncertain significance for Cardiovascular phenotype. Last evaluated: 2023-02-16. Review status: criteria provided, single submitter. Criteria: Ambry Variant Classification Scheme 2023. Collection method: clinical testing. Allele origin: germline.
Comment: The p.S3075R variant (also known as c.9223A>C), located in coding exon 26 of the TNXB gene, results from an A to C substitution at nucleotide position 9223. The serine at codon 3075 is replaced by arginine, an amino acid with dissimilar properties. This amino acid position is conserved. In addition, this alteration is predicted to be tolerated by in silico analysis. Since supporting evidence is limited at this time, the clinical significance of this alteration remains unclear.

PreventionGenetics, part of Exact Sciences
Classification: Uncertain significance for TNXB-related condition. Last evaluated: 2024-01-30. Review status: no assertion criteria provided. Collection method: clinical testing. Allele origin: germline. Not counted in ClinVar's aggregate classification.
Comment: The TNXB c.9223A>C variant is predicted to result in the amino acid substitution p.Ser3075Arg. To our knowledge, this variant has not been reported in the literature. This variant is reported in 0.0058% of alleles in individuals of Latino descent in gnomAD. At this time, the clinical significance of this variant is uncertain due to the absence of conclusive functional and genetic evidence.